The following is an entry in ClinVar:

ClinVar aggregate classification (germline): Pathogenic/Likely pathogenic. Review status: criteria provided, multiple submitters, no conflicts (2 of 4 stars). 3 submissions from 3 submitters: Pathogenic (1); Likely pathogenic (2). Last evaluated 2025-12-13.

Conditions:
Orofaciodigital syndrome type 6 (OFD6). Also called: OROFACIODIGITAL SYNDROME VI; OFDS VI; POLYDACTYLY, CLEFT LIP/PALATE OR LINGUAL LUMP, AND PSYCHOMOTOR RETARDATION; VARADI SYNDROME; VARADI-PAPP SYNDROME; Oral-facial-digital syndrome type 6. Identifiers: Orphanet 2754, MedGen C2745997, MONDO:0010176, OMIM 277170.
Joubert syndrome 17 (JBTS17). Identifiers: Orphanet 475, MedGen C3553264, MONDO:0013824, OMIM 614615.
CPLANE1-related disorders.

Submissions (3):

Labcorp Genetics (formerly Invitae), Labcorp
Classification: Pathogenic. Last evaluated: 2025-12-13. Review status: criteria provided, single submitter. Criteria: Invitae Variant Classification Sherloc (09022015). Collection method: clinical testing. Allele origin: germline.
Comment: This sequence change creates a premature translational stop signal (p.Asn1339*) in the CPLANE1 gene. It is expected to result in an absent or disrupted protein product. Loss-of-function variants in CPLANE1 are known to be pathogenic (PMID: 24178751, 26092869). This variant is present in population databases (rs777440487, gnomAD 0.0009%). This variant has not been reported in the literature in individuals affected with CPLANE1-related conditions. ClinVar contains an entry for this variant (Variation ID: 3592483). Algorithms developed to predict the effect of sequence changes on RNA splicing suggest that this variant may disrupt the consensus splice site. For these reasons, this variant has been classified as Pathogenic.

Fulgent Genetics
Classification: Likely pathogenic for Orofaciodigital syndrome type 6; Joubert syndrome 17. Last evaluated: 2024-02-02. Review status: criteria provided, single submitter. Criteria: ACMG Guidelines, 2015. Collection method: clinical testing. Allele origin: germline.

Blueprint Genetics
Classification: Likely pathogenic for CPLANE1-related disorders. Last evaluated: 2021-09-23. Review status: criteria provided, single submitter. Criteria: ACMG Guidelines, 2015. Collection method: clinical testing. Allele origin: germline. Affected: yes. Observed: 2 variant alleles.

Literature cited by the submitters: PubMed 24178751 (cited by Labcorp Genetics (formerly Invitae), Labcorp); PubMed 26092869 (cited by Labcorp Genetics (formerly Invitae), Labcorp).

NM_001384732.1(CPLANE1):c.4014dup (p.Asn1339Ter)

Gene: CPLANE1 (ciliogenesis and planar polarity effector complex subunit 1; minus strand). Cytogenetic location: 5p13.2.
Variant type: Duplication.
Coding change: c.4014dup on transcript NM_001384732.1 (MANE Select); coding-DNA position 4014, one base duplicated (T; older notation c.4014dupT).
Protein change: p.Asn1339Ter; replaces asparagine 1339 with a stop codon.
Molecular consequence: nonsense.
Genome position (GRCh38, 1-based): chr5:37,187,480, A duplicated on the plus strand (T on the coding strand, the reverse complement: CPLANE1 is on the minus strand); the first of 6 consecutive A bases (chr5:37,187,480-37,187,485); duplicating any one gives the same sequence. VCF-style (leftmost placement, unchanged base first): chr5-37187479-T-TA. GRCh37 (hg19) VCF-style: chr5-37187581-T-TA.
Other names: c.4014dup, p.Asn1339Ter (NM_023073.4); c.4014dup (NM_023073.3); short protein forms N1339*.
Identifiers: ClinVar variation 3592483 (VCV003592483.3).